The following is an entry in ClinVar:

ClinVar aggregate classification (germline): Likely benign. Review status: criteria provided, multiple submitters, no conflicts (2 of 4 stars). 2 submissions from 2 submitters: Likely benign (2). Last evaluated 2025-12-08.

Allele frequency attached by ClinVar (database versions not stated): gnomAD exomes below 0.00001.
gnomAD v4.1: 6 of 1,611,778 alleles (0.00037%); highest among the groups gnomAD compares: South Asian, 0.0011%; no homozygotes.

Submissions (2):

Labcorp Genetics (formerly Invitae), Labcorp
Classification: Likely benign. Last evaluated: 2025-12-08. Review status: criteria provided, single submitter. Criteria: Invitae Variant Classification Sherloc (09022015). Collection method: clinical testing. Allele origin: germline.

CeGaT Center for Human Genetics Tuebingen
Classification: Likely benign. Last evaluated: 2025-05-01. Review status: criteria provided, single submitter. Criteria: CeGaT Center For Human Genetics Tuebingen Variant Classification Criteria Version 2. Collection method: clinical testing. Allele origin: germline. Affected: yes. Observed: 1 variant allele.
Comment: SH3PXD2B: BP4, BP7

NM_001017995.3(SH3PXD2B):c.813C>T (p.Pro271=)

Gene: SH3PXD2B (SH3 and PX domains 2B; minus strand). Cytogenetic location: 5q35.1.
Variant type: single nucleotide variant.
Coding change: c.813C>T on transcript NM_001017995.3 (MANE Select); coding-DNA position 813, C replaced by T.
Protein change: p.Pro271=; no amino-acid change (proline 271 retained).
Molecular consequence: synonymous variant.
Genome position (GRCh38, 1-based): chr5:172,350,562, G>A on the plus strand (C>T on the coding strand, the complement: SH3PXD2B is on the minus strand). VCF-style: chr5-172350562-G-A. GRCh37 (hg19) VCF-style: chr5-171777566-G-A.
Other names: c.813C>T, p.Pro271= (NM_001308175.2).
Identifiers: ClinVar variation 1655949 (VCV001655949.18), dbSNP rs1357763254, ClinGen allele CA447813537.